The following is an entry in ClinVar:

ClinVar aggregate classification (germline): Uncertain significance. Review status: criteria provided, multiple submitters, no conflicts (2 of 4 stars). 3 submissions from 3 submitters: Uncertain significance (3). Last evaluated 2025-12-24.

Conditions:
Carney-Stratakis syndrome. Also called: PARAGANGLIOMA AND GASTROINTESTINAL STROMAL TUMOR. Identifiers: Orphanet 97286, MedGen C1847319, MONDO:0011740, OMIM 606864.
Pheochromocytoma. Also called: MAX-Related Hereditary Paraganglioma-Pheochromocytoma Syndrome. Identifiers: Orphanet 29072, MedGen C0031511, MONDO:0008233, OMIM 171300, HP:0002666.
Paragangliomas with sensorineural hearing loss. Identifiers: MedGen C1868633.
Cowden syndrome 3 (CWS3). Identifiers: Orphanet 201, MedGen CN166604, MONDO:0014045.
Hereditary cancer-predisposing syndrome. Also called: Neoplastic Syndromes, Hereditary; Hereditary neoplastic syndrome; Tumor predisposition; Hereditary Cancer Syndrome. Identifiers: Orphanet 140162, MedGen C0027672, MeSH D009386, MONDO:0015356.

Allele frequency attached by ClinVar (database versions not stated): ExAC 0.00002.
gnomAD v4.1: 17 of 1,611,122 alleles (0.0011%); highest among the groups gnomAD compares: Non-Finnish European, 0.0012%; no homozygotes.

Submissions (3):

Labcorp Genetics (formerly Invitae), Labcorp
Classification: Uncertain significance for Carney-Stratakis syndrome; Paragangliomas with sensorineural hearing loss; Pheochromocytoma; Cowden syndrome 3. Last evaluated: 2025-12-24. Review status: criteria provided, single submitter. Criteria: Invitae Variant Classification Sherloc (09022015). Collection method: clinical testing. Allele origin: germline.
Comment: This sequence change replaces lysine, which is basic and polar, with asparagine, which is neutral and polar, at codon 151 of the SDHD protein (p.Lys151Asn). This variant is present in population databases (rs761953172, gnomAD 0.002%). This variant has not been reported in the literature in individuals affected with SDHD-related conditions. ClinVar contains an entry for this variant (Variation ID: 239472). Invitae Evidence Modeling of protein sequence and biophysical properties (such as structural, functional, and spatial information, amino acid conservation, physicochemical variation, residue mobility, and thermodynamic stability) indicates that this missense variant is not expected to disrupt SDHD protein function with a negative predictive value of 80%. In summary, the available evidence is currently insufficient to determine the role of this variant in disease. Therefore, it has been classified as a Variant of Uncertain Significance.

Ambry Genetics
Classification: Uncertain significance for Hereditary cancer-predisposing syndrome. Last evaluated: 2025-03-11. Review status: criteria provided, single submitter. Criteria: Ambry Variant Classification Scheme 2023. Collection method: clinical testing. Allele origin: germline.
Comment: The p.K151N variant (also known as c.453A>C), located in coding exon 4 of the SDHD gene, results from an A to C substitution at nucleotide position 453. The lysine at codon 151 is replaced by asparagine, an amino acid with similar properties. This amino acid position is not well conserved in available vertebrate species. In addition, the in silico prediction for this alteration is inconclusive. Based on the available evidence, the clinical significance of this alteration remains unclear.

GeneDx
Classification: Uncertain significance. Last evaluated: 2020-02-11. Review status: criteria provided, single submitter. Criteria: GeneDx Variant Classification Process June 2021. Collection method: clinical testing. Allele origin: germline. Affected: yes.
Comment: Not observed at a significant frequency in large population cohorts (Lek 2016); In silico analysis supports that this missense variant does not alter protein structure/function; Has not been previously published as pathogenic or benign to our knowledge; Also known as p.K95N

NM_003002.4(SDHD):c.453A>C (p.Lys151Asn)

Gene: SDHD (succinate dehydrogenase complex subunit D; plus strand). Cytogenetic location: 11q23.1.
Variant type: single nucleotide variant.
Coding change: c.453A>C on transcript NM_003002.4 (MANE Select); coding-DNA position 453, A replaced by C.
Protein change: p.Lys151Asn; replaces lysine 151 with asparagine.
Molecular consequence: missense variant. On other transcripts: 3 prime UTR variant (2), non-coding transcript variant (1).
Genome position (GRCh38, 1-based): chr11:112,094,943, A>C. VCF-style: chr11-112094943-A-C. GRCh37 (hg19) VCF-style: chr11-111965667-A-C.
Other names: c.*50A>C (NM_001276503.2); c.336A>C, p.Lys112Asn (NM_001276504.2); c.*151A>C (NM_001276506.2); short protein forms K151N, K112N.
Identifiers: ClinVar variation 239472 (VCV000239472.18), dbSNP rs761953172, ClinGen allele CA071433.